The following is an entry in ClinVar:

NM_000782.5(CYP24A1):c.224G>A (p.Trp75Ter)

Gene: CYP24A1 (cytochrome P450 family 24 subfamily A member 1; minus strand). Cytogenetic location: 20q13.2.
Variant type: single nucleotide variant.
Coding change: c.224G>A on transcript NM_000782.5 (MANE Select); coding-DNA position 224, G replaced by A.
Protein change: p.Trp75Ter; replaces tryptophan 75 with a stop codon.
Molecular consequence: nonsense.
Genome position (GRCh38, 1-based): chr20:54,173,356, C>T on the plus strand (G>A on the coding strand, the complement: CYP24A1 is on the minus strand). VCF-style: chr20-54173356-C-T. GRCh37 (hg19) VCF-style: chr20-52789895-C-T.
Other names: c.224G>A, p.Trp75Ter (NM_001128915.2); short protein forms W75*.
Identifiers: ClinVar variation 2111621 (VCV002111621.4), dbSNP rs2516403351, ClinGen allele CA409393637.

ClinVar aggregate classification (germline): Pathogenic (1 of 4 stars; one submission).

Allele frequency attached by ClinVar (database versions not stated): gnomAD exomes below 0.00001.
gnomAD v4.1: 2 of 1,606,296 alleles (0.00012%); highest among the groups gnomAD compares: Non-Finnish European, 0.000085%; no homozygotes.

Submission:

Labcorp Genetics (formerly Invitae), Labcorp
Classification: Pathogenic. Last evaluated: 2022-03-14. Review status: criteria provided, single submitter. Criteria: Invitae Variant Classification Sherloc (09022015). Collection method: clinical testing. Allele origin: germline.
Comment: For these reasons, this variant has been classified as Pathogenic. This variant has not been reported in the literature in individuals affected with CYP24A1-related conditions. This variant is not present in population databases (gnomAD no frequency). This sequence change creates a premature translational stop signal (p.Trp75*) in the CYP24A1 gene. It is expected to result in an absent or disrupted protein product. Loss-of-function variants in CYP24A1 are known to be pathogenic (PMID: 21675912).

Literature cited by the submitters: PubMed 21675912.